The following is an entry in ClinVar:

ClinVar aggregate classification (germline): Conflicting classifications of pathogenicity. Review status: criteria provided, conflicting classifications (1 of 4 stars). 2 submissions from 2 submitters: Uncertain significance (1); Benign (1). Last evaluated 2025-11-12.

Conditions:
DNAH11-related disorder. Also called: DNAH11-related condition.
Primary ciliary dyskinesia. Also called: Ciliary dyskinesia. Identifiers: Orphanet 244, MedGen C0008780, MONDO:0016575, HP:0012265.

Allele frequency attached by ClinVar (database versions not stated): ExAC 0.00004; gnomAD 0.00001; TOPMed 0.00001.
gnomAD v4.1: 31 of 1,613,876 alleles (0.0019%); highest among the groups gnomAD compares: South Asian, 0.033%; 1 homozygote.

Submissions (2):

PreventionGenetics, part of Exact Sciences
Classification: Uncertain significance for DNAH11-related condition. Last evaluated: 2025-11-12. Review status: criteria provided, single submitter. Criteria: ACMG Guidelines, 2015. Collection method: clinical testing. Allele origin: germline.
Comment: The DNAH11 c.5408G>T variant is predicted to result in the amino acid substitution p.Cys1803Phe. To our knowledge, this variant has not been reported in the literature. This variant is reported in 0.042% of alleles in individuals of South Asian descent in gnomAD. At this time, the clinical significance of this variant is uncertain due to the absence of conclusive functional and genetic evidence.

Labcorp Genetics (formerly Invitae), Labcorp
Classification: Benign for Primary ciliary dyskinesia. Last evaluated: 2023-09-08. Review status: criteria provided, single submitter. Criteria: Invitae Variant Classification Sherloc (09022015). Collection method: clinical testing. Allele origin: germline.

NM_001277115.2(DNAH11):c.5408G>T (p.Cys1803Phe)

Gene: DNAH11 (dynein axonemal heavy chain 11; plus strand). Cytogenetic location: 7p15.3.
Variant type: single nucleotide variant.
Coding change: c.5408G>T on transcript NM_001277115.2 (MANE Select); coding-DNA position 5408, G replaced by T.
Protein change: p.Cys1803Phe; replaces cysteine 1803 with phenylalanine.
Molecular consequence: missense variant.
Genome position (GRCh38, 1-based): chr7:21,681,625, G>T. VCF-style: chr7-21681625-G-T. GRCh37 (hg19) VCF-style: chr7-21721243-G-T.
Other names: c.5408G>T (NM_001277115.1); c.5423G>T, p.Cys1808Phe (NM_003777.3); short protein forms C1808F, C1803F.
Identifiers: ClinVar variation 2740420 (VCV002740420.4), dbSNP rs540723676, ClinGen allele CA4180396.